The following is an entry in ClinVar:

NM_024422.6(DSC2):c.1552G>A (p.Val518Ile)

Gene: DSC2 (desmocollin 2; minus strand). Cytogenetic location: 18q12.1.
Variant type: single nucleotide variant.
Coding change: c.1552G>A on transcript NM_024422.6 (MANE Select); coding-DNA position 1552, G replaced by A.
Protein change: p.Val518Ile; replaces valine 518 with isoleucine.
Molecular consequence: missense variant.
Genome position (GRCh38, 1-based): chr18:31,079,958, C>T on the plus strand (G>A on the coding strand, the complement: DSC2 is on the minus strand). VCF-style: chr18-31079958-C-T. GRCh37 (hg19) VCF-style: chr18-28659924-C-T.
Other names: c.1552G>A (NM_024422.3); c.1552G>A, p.Val518Ile (NM_004949.5); short protein forms V518I.
Identifiers: ClinVar variation 536268 (VCV000536268.7), dbSNP rs397517394, ClinGen allele CA032145.

ClinVar aggregate classification (germline): Conflicting classifications of pathogenicity. Review status: criteria provided, conflicting classifications (1 of 4 stars). 2 submissions from 2 submitters: Uncertain significance (1); Likely benign (1). Last evaluated 2026-06-29.

Conditions:
Arrhythmogenic right ventricular dysplasia 11. Also called: ARRHYTHMOGENIC RIGHT VENTRICULAR DYSPLASIA, FAMILIAL, 11; Arrhythmogenic Right Ventricular Dysplasia/Cardiomyopathy11; Arrhythmogenic right ventricular dysplasia 11 with mild palmoplantar keratoderma and woolly hair. Identifiers: MedGen C1864850, MONDO:0012506, OMIM 610476.
Cardiovascular phenotype. Identifiers: MedGen CN230736.

gnomAD v4.1: 1 of 1,613,854 alleles (0.000062%); highest among the groups gnomAD compares: South Asian, 0.0011%; no homozygotes.

Submissions (2):

Ambry Genetics
Classification: Likely benign for Cardiovascular phenotype. Last evaluated: 2026-06-29. Review status: criteria provided, single submitter. Criteria: Ambry Variant Classification Scheme 2023. Collection method: clinical testing. Allele origin: germline.

Labcorp Genetics (formerly Invitae), Labcorp
Classification: Uncertain significance for Arrhythmogenic right ventricular dysplasia 11. Last evaluated: 2022-06-03. Review status: criteria provided, single submitter. Criteria: Invitae Variant Classification Sherloc (09022015). Collection method: clinical testing. Allele origin: germline.
Comment: This sequence change replaces valine, which is neutral and non-polar, with isoleucine, which is neutral and non-polar, at codon 518 of the DSC2 protein (p.Val518Ile). This variant is present in population databases (rs397517394, gnomAD 0.003%). This variant has not been reported in the literature in individuals affected with DSC2-related conditions. ClinVar contains an entry for this variant (Variation ID: 536268). Algorithms developed to predict the effect of missense changes on protein structure and function output the following: SIFT: "Tolerated"; PolyPhen-2: "Benign"; Align-GVGD: "Class C0". The isoleucine amino acid residue is found in multiple mammalian species, which suggests that this missense change does not adversely affect protein function. In summary, the available evidence is currently insufficient to determine the role of this variant in disease. Therefore, it has been classified as a Variant of Uncertain Significance.